The following is an entry in ClinVar:

ClinVar aggregate classification (germline): Uncertain significance (1 of 4 stars; one submission).

Conditions:
Long QT syndrome (LQTS). Identifiers: MedGen C0023976, MeSH D008133, MONDO:0002442. Disease mechanism: loss of function. Inheritance: Various modes of inheritance.

Submission:

Labcorp Genetics (formerly Invitae), Labcorp
Classification: Uncertain significance for Long QT syndrome. Last evaluated: 2022-08-31. Review status: criteria provided, single submitter. Criteria: Invitae Variant Classification Sherloc (09022015). Collection method: clinical testing. Allele origin: germline.
Comment: This variant is not present in population databases (gnomAD no frequency). In summary, the available evidence is currently insufficient to determine the role of this variant in disease. Therefore, it has been classified as a Variant of Uncertain Significance. Algorithms developed to predict the effect of missense changes on protein structure and function (SIFT, PolyPhen-2, Align-GVGD) all suggest that this variant is likely to be tolerated. ClinVar contains an entry for this variant (Variation ID: 1023341). This variant has not been reported in the literature in individuals affected with KCNH2-related conditions. This sequence change replaces glutamine, which is neutral and polar, with glutamic acid, which is acidic and polar, at codon 75 of the KCNH2 protein (p.Gln75Glu).

NM_000238.4(KCNH2):c.223C>G (p.Gln75Glu)

Gene: KCNH2 (potassium voltage-gated channel subfamily H member 2; minus strand). Cytogenetic location: 7q36.1.
Variant type: single nucleotide variant.
Coding change: c.223C>G on transcript NM_000238.4 (MANE Select); coding-DNA position 223, C replaced by G.
Protein change: p.Gln75Glu; replaces glutamine 75 with glutamic acid.
Molecular consequence: missense variant.
Genome position (GRCh38, 1-based): chr7:150,974,795, G>C on the plus strand (C>G on the coding strand, the complement: KCNH2 is on the minus strand). VCF-style: chr7-150974795-G-C. GRCh37 (hg19) VCF-style: chr7-150671883-G-C.
Other names: c.46C>G, p.Gln16Glu (NM_001406755.1); c.223C>G, p.Gln75Glu (NM_172056.3); short protein forms Q75E, Q16E.
Identifiers: ClinVar variation 1023341 (VCV001023341.11), dbSNP rs1801933977, ClinGen allele CA369865564.